The following is an entry in ClinVar:

NM_005633.4(SOS1):c.3130A>C (p.Asn1044His)

Gene: SOS1 (SOS Ras/Rac guanine nucleotide exchange factor 1; minus strand). Cytogenetic location: 2p22.1.
Variant type: single nucleotide variant.
Coding change: c.3130A>C on transcript NM_005633.4 (MANE Select); coding-DNA position 3130, A replaced by C.
Protein change: p.Asn1044His; replaces asparagine 1044 with histidine.
Molecular consequence: missense variant.
Genome position (GRCh38, 1-based): chr2:38,995,339, T>G on the plus strand (A>C on the coding strand, the complement: SOS1 is on the minus strand). VCF-style: chr2-38995339-T-G. GRCh37 (hg19) VCF-style: chr2-39222480-T-G.
Other names: c.3109A>C, p.Asn1037His (NM_001382394.1); c.3130A>C, p.Asn1044His (NM_001382395.1); short protein forms N1037H, N1044H.
Identifiers: ClinVar variation 3224887 (VCV003224887.1), dbSNP rs1668859586, ClinGen allele CA346361170.

ClinVar aggregate classification (germline): Uncertain significance (1 of 4 stars; one submission).

Conditions:
Cardiovascular phenotype. Identifiers: MedGen CN230736.

Allele frequency attached by ClinVar (database versions not stated): gnomAD exomes below 0.00001.
gnomAD v4.1: 1 of 1,613,836 alleles (0.000062%); highest among the groups gnomAD compares: East Asian, 0.0022%; no homozygotes.

Submission:

Ambry Genetics
Classification: Uncertain significance for Cardiovascular phenotype. Last evaluated: 2023-12-07. Review status: criteria provided, single submitter. Criteria: Ambry Variant Classification Scheme 2023. Collection method: clinical testing. Allele origin: germline.
Comment: The p.N1044H variant (also known as c.3130A>C), located in coding exon 20 of the SOS1 gene, results from an A to C substitution at nucleotide position 3130. The asparagine at codon 1044 is replaced by histidine, an amino acid with similar properties. This amino acid position is conserved. In addition, this alteration is predicted to be tolerated by in silico analysis. Since supporting evidence is limited at this time, the clinical significance of this alteration remains unclear.